The following is an entry in ClinVar:

ClinVar aggregate classification (germline): Uncertain significance (1 of 4 stars; one submission).

Conditions:
Acrocallosal syndrome (ACLS). Also called: Schinzel syndrome 1; Absence of corpus callosum with unusual facial appearance, mental deficiency, duplication of the halluces and polydactyly; HALLUX DUPLICATION, POSTAXIAL POLYDACTYLY, AND ABSENCE OF CORPUS CALLOSUM. Identifiers: Orphanet 36, MedGen C0796147, MONDO:0008708, OMIM 200990.

Allele frequency attached by ClinVar (database versions not stated): gnomAD exomes below 0.00001; ExAC 0.00001.
gnomAD v4.1: 2 of 1,611,918 alleles (0.00012%); highest among the groups gnomAD compares: Non-Finnish European, 0.00017%; no homozygotes.

Submission:

Labcorp Genetics (formerly Invitae), Labcorp
Classification: Uncertain significance for Acrocallosal syndrome. Last evaluated: 2022-06-12. Review status: criteria provided, single submitter. Criteria: Invitae Variant Classification Sherloc (09022015). Collection method: clinical testing. Allele origin: germline.
Comment: This variant has not been reported in the literature in individuals affected with KIF7-related conditions. Algorithms developed to predict the effect of missense changes on protein structure and function are either unavailable or do not agree on the potential impact of this missense change (SIFT: "Deleterious"; PolyPhen-2: "Probably Damaging"; Align-GVGD: "Class C0"). In summary, the available evidence is currently insufficient to determine the role of this variant in disease. Therefore, it has been classified as a Variant of Uncertain Significance. This sequence change replaces leucine, which is neutral and non-polar, with valine, which is neutral and non-polar, at codon 507 of the KIF7 protein (p.Leu507Val). This variant is present in population databases (rs774225268, gnomAD 0.007%).

NM_198525.3(KIF7):c.1519C>G (p.Leu507Val)

Gene: KIF7 (kinesin family member 7; minus strand). Cytogenetic location: 15q26.1.
Variant type: single nucleotide variant.
Coding change: c.1519C>G on transcript NM_198525.3 (MANE Select); coding-DNA position 1519, C replaced by G.
Protein change: p.Leu507Val; replaces leucine 507 with valine.
Molecular consequence: missense variant.
Genome position (GRCh38, 1-based): chr15:89,647,637, G>C on the plus strand (C>G on the coding strand, the complement: KIF7 is on the minus strand). VCF-style: chr15-89647637-G-C. GRCh37 (hg19) VCF-style: chr15-90190868-G-C.
Other names: short protein forms L507V.
Identifiers: ClinVar variation 2162239 (VCV002162239.3), dbSNP rs774225268, ClinGen allele CA7728545.